The following is an entry in ClinVar:

ClinVar aggregate classification (germline): Uncertain significance (1 of 4 stars; one submission).

Conditions:
FAH-related disorder. Also called: FAH-related condition.

gnomAD v4.1: 3 of 1,614,056 alleles (0.00019%); highest among the groups gnomAD compares: African/African-American, 0.0027%; no homozygotes.

Submission:

PreventionGenetics, part of Exact Sciences
Classification: Uncertain significance for FAH-related condition. Last evaluated: 2025-05-19. Review status: criteria provided, single submitter. Criteria: ACMG Guidelines, 2015. Collection method: clinical testing. Allele origin: germline.
Comment: The FAH c.657C>T variant is not predicted to result in an amino acid change (p.=). This variant is predicted to impact splicing based on splicing prediction programs (SpliceAI, Jaganathan K, et al. 2019. PubMed ID: 30661751). However, the use of computer prediction programs is not equivalent to functional evidence. To our knowledge, this variant has not been reported in the literature. This variant is reported in 0.0040% of alleles in individuals of African descent in gnomAD. At this time, the clinical significance of this variant is uncertain due to the absence of conclusive functional and genetic evidence.

NM_000137.4(FAH):c.657C>T (p.Ser219=)

Gene: FAH (fumarylacetoacetate hydrolase; plus strand). Cytogenetic location: 15q25.1.
Variant type: single nucleotide variant.
Coding change: c.657C>T on transcript NM_000137.4 (MANE Select); coding-DNA position 657, C replaced by T.
Protein change: p.Ser219=; no amino-acid change (serine 219 retained).
Molecular consequence: synonymous variant.
Genome position (GRCh38, 1-based): chr15:80,172,199, C>T. VCF-style: chr15-80172199-C-T. GRCh37 (hg19) VCF-style: chr15-80464541-C-T.
Other names: c.657C>T, p.Ser219= (NM_001374377.1, NM_001374380.1).
Identifiers: ClinVar variation 4984129 (VCV004984129.1).